The following is an entry in ClinVar:

NM_002336.3(LRP6):c.2729G>T (p.Gly910Val)

Gene: LRP6 (LDL receptor related protein 6; minus strand). Cytogenetic location: 12p13.2.
Variant type: single nucleotide variant.
Coding change: c.2729G>T on transcript NM_002336.3 (MANE Select); coding-DNA position 2729, G replaced by T.
Protein change: p.Gly910Val; replaces glycine 910 with valine.
Molecular consequence: missense variant.
Genome position (GRCh38, 1-based): chr12:12,158,891, C>A on the plus strand (G>T on the coding strand, the complement: LRP6 is on the minus strand). VCF-style: chr12-12158891-C-A. GRCh37 (hg19) VCF-style: chr12-12311825-C-A.
Other names: c.2729G>T, p.Gly910Val (NM_001414244.1, NM_001414245.1, NM_001414246.1 and 4 more transcripts); c.2531G>T, p.Gly844Val (NM_001414247.1); c.2276G>T, p.Gly759Val (NM_001414252.1, NM_001414253.1, NM_001414254.1); c.2222G>T, p.Gly741Val (NM_001414255.1); short protein forms G759V, G741V, G844V, G910V.
Identifiers: ClinVar variation 2006928 (VCV002006928.4), dbSNP rs747295504, ClinGen allele CA383943713.

ClinVar aggregate classification (germline): Uncertain significance (1 of 4 stars; one submission).

Submission:

Labcorp Genetics (formerly Invitae), Labcorp
Classification: Uncertain significance. Last evaluated: 2022-06-15. Review status: criteria provided, single submitter. Criteria: Invitae Variant Classification Sherloc (09022015). Collection method: clinical testing. Allele origin: germline.
Comment: In summary, the available evidence is currently insufficient to determine the role of this variant in disease. Therefore, it has been classified as a Variant of Uncertain Significance. Algorithms developed to predict the effect of missense changes on protein structure and function are either unavailable or do not agree on the potential impact of this missense change (SIFT: "Deleterious"; PolyPhen-2: "Benign"; Align-GVGD: "Class C15"). This variant has not been reported in the literature in individuals affected with LRP6-related conditions. This variant is not present in population databases (gnomAD no frequency). This sequence change replaces glycine, which is neutral and non-polar, with valine, which is neutral and non-polar, at codon 910 of the LRP6 protein (p.Gly910Val).